The following is an entry in ClinVar:

NM_006914.4(RORB):c.445del (p.Leu149fs)

Gene: RORB (RAR related orphan receptor B; plus strand). Cytogenetic location: 9q21.13.
Variant type: Deletion.
Coding change: c.445del on transcript NM_006914.4 (MANE Select); coding-DNA position 445, one base deleted (C; older notation c.445delC).
Protein change: p.Leu149fs; shifts the reading frame from leucine 149.
Molecular consequence: frameshift variant.
Genome position (GRCh38, 1-based): chr9:74,642,623, C deleted; the last of 2 consecutive C bases (chr9:74,642,622-74,642,623); deleting either gives the same sequence. VCF-style (leftmost placement, unchanged base first): chr9-74642621-AC-A. GRCh37 (hg19) VCF-style: chr9-77257537-AC-A.
Other names: c.478del, p.Leu160fs (NM_001365023.1); short protein forms L160fs, L149fs.
Identifiers: ClinVar variation 1452736 (VCV001452736.6), dbSNP rs2118463065, ClinGen allele CA2573144689.
Genomic context (GRCh38, chr9:74,642,621, plus strand): 5'-ACGGCCTGAGCAACCTGAACAACGAGACCAGCGGCACTTATGCCAACGGGCACGTCATTG[AC>A]CTGCCCAAGTCTGAGGGTTATTACAACGTCGATTCCGGTCAGCCGTCCCCTGATCAGTCA-3'

ClinVar aggregate classification (germline): Pathogenic (1 of 4 stars; one submission).

Submission:

Labcorp Genetics (formerly Invitae), Labcorp
Classification: Pathogenic. Last evaluated: 2021-05-18. Review status: criteria provided, single submitter. Criteria: Invitae Variant Classification Sherloc (09022015). Collection method: clinical testing. Allele origin: germline.
Comment: This sequence change creates a premature translational stop signal (p.Leu149Cysfs*24) in the RORB gene. It is expected to result in an absent or disrupted protein product. Loss-of-function variants in RORB are known to be pathogenic (PMID: 27352968). This variant is not present in population databases (ExAC no frequency). This variant has not been reported in the literature in individuals with RORB-related conditions. For these reasons, this variant has been classified as Pathogenic.

Literature cited by the submitters: PubMed 27352968.